The following is an entry in ClinVar:

ClinVar aggregate classification (germline): Uncertain significance (1 of 4 stars; one submission).

Conditions:
POLD1-related polyposis and colorectal cancer syndrome (CRCS10). Also called: Colorectal cancer 10; COLORECTAL CANCER, SUSCEPTIBILITY TO, ON CHROMOSOME 19q; Colorectal cancer, susceptibility to, 10. Identifiers: Orphanet 220460, MedGen C2675481, MONDO:0012953, OMIM 612591.

Submission:

Labcorp Genetics (formerly Invitae), Labcorp
Classification: Uncertain significance for POLD1-related polyposis and colorectal cancer syndrome. Last evaluated: 2023-04-12. Review status: criteria provided, single submitter. Criteria: Invitae Variant Classification Sherloc (09022015). Collection method: clinical testing. Allele origin: germline.
Comment: Advanced modeling of protein sequence and biophysical properties (such as structural, functional, and spatial information, amino acid conservation, physicochemical variation, residue mobility, and thermodynamic stability) performed at Invitae indicates that this missense variant is not expected to disrupt POLD1 protein function. In summary, the available evidence is currently insufficient to determine the role of this variant in disease. Therefore, it has been classified as a Variant of Uncertain Significance. This variant has not been reported in the literature in individuals affected with POLD1-related conditions. This sequence change replaces phenylalanine, which is neutral and non-polar, with leucine, which is neutral and non-polar, at codon 96 of the POLD1 protein (p.Phe96Leu). This variant is not present in population databases (gnomAD no frequency).

NM_002691.4(POLD1):c.286T>C (p.Phe96Leu)

Gene: POLD1 (DNA polymerase delta 1, catalytic subunit; plus strand). Cytogenetic location: 19q13.33.
Variant type: single nucleotide variant.
Coding change: c.286T>C on transcript NM_002691.4 (MANE Select); coding-DNA position 286, T replaced by C.
Protein change: p.Phe96Leu; replaces phenylalanine 96 with leucine.
Molecular consequence: missense variant. On other transcripts: non-coding transcript variant (1).
Genome position (GRCh38, 1-based): chr19:50,399,454, T>C. VCF-style: chr19-50399454-T-C. GRCh37 (hg19) VCF-style: chr19-50902711-T-C.
Other names: c.286T>C, p.Phe96Leu (NM_001256849.1, NM_001308632.1); short protein forms F96L.
Identifiers: ClinVar variation 2855443 (VCV002855443.3), dbSNP rs2513937574, ClinGen allele CA406970587.
Genomic context (GRCh38, chr19:50,399,454, plus strand): 5'-GATCCTCGCTGGCTTCGGCCCACACCACCAGCGCTGGACCCCCAGACAGAGCCCCTCATC[T>C]TCCAACAGTTGGAGATTGACCATTATGTGGGTGAGTTTAGGGGTTATGGGTGAGTGCTGG-3'
Protein context (NP_002682.2, residues 86-106): ALDPQTEPLI[Phe96Leu]QQLEIDHYVG